The following is an entry in ClinVar:

ClinVar aggregate classification (germline): Conflicting classifications of pathogenicity. Review status: criteria provided, conflicting classifications (1 of 4 stars). 2 submissions from 2 submitters: Uncertain significance (1); Likely benign (1). Last evaluated 2026-07-16.

Conditions:
SETX-related disorder. Also called: SETX-related condition; SETX-related disorders. Identifiers: MedGen CN239403.
Amyotrophic lateral sclerosis type 4 (ALS4). Also called: NEURONOPATHY, DISTAL HEREDITARY MOTOR, WITH PYRAMIDAL FEATURES; AMYOTROPHIC LATERAL SCLEROSIS 4, JUVENILE. Identifiers: Orphanet 357043, MedGen C1865409, MONDO:0011223, OMIM 602433.
Spinocerebellar ataxia, autosomal recessive, with axonal neuropathy 2 (SCAN2). Also called: Ataxia-ocular apraxia-2; Ataxia with Oculomotor Apraxia; Ataxia with Oculomotor Apraxia Type 2; ATAXIA-OCULOMOTOR APRAXIA 2. Identifiers: Orphanet 64753, MedGen C1853761, MONDO:0018996, OMIM 606002.

Allele frequency attached by ClinVar (database versions not stated): TOPMed 0.00002; ExAC 0.00004.

Submissions (2):

PreventionGenetics, part of Exact Sciences
Classification: Uncertain significance for SETX-related condition. Last evaluated: 2026-07-16. Review status: criteria provided, single submitter. Criteria: ACMG Guidelines, 2015. Collection method: clinical testing. Allele origin: germline.
Comment: The SETX c.4516A>G variant is predicted to result in the amino acid substitution p.Met1506Val. To our knowledge, this variant has not been reported in the literature. This variant is reported in 0.014% of alleles in individuals of Latino descent in gnomAD. At this time, the clinical significance of this variant is uncertain due to the absence of conclusive functional and genetic evidence.

Labcorp Genetics (formerly Invitae), Labcorp
Classification: Likely benign for Amyotrophic lateral sclerosis type 4; Spinocerebellar ataxia, autosomal recessive, with axonal neuropathy 2. Last evaluated: 2022-11-03. Review status: criteria provided, single submitter. Criteria: Invitae Variant Classification Sherloc (09022015). Collection method: clinical testing. Allele origin: germline.

NM_015046.7(SETX):c.4516A>G (p.Met1506Val)

Gene: SETX (senataxin; minus strand). Cytogenetic location: 9q34.13.
Variant type: single nucleotide variant.
Coding change: c.4516A>G on transcript NM_015046.7 (MANE Select); coding-DNA position 4516, A replaced by G.
Protein change: p.Met1506Val; replaces methionine 1506 with valine.
Molecular consequence: missense variant.
Genome position (GRCh38, 1-based): chr9:132,327,082, T>C on the plus strand (A>G on the coding strand, the complement: SETX is on the minus strand). VCF-style: chr9-132327082-T-C. GRCh37 (hg19) VCF-style: chr9-135202469-T-C.
Other names: c.4516A>G, p.Met1506Val (NM_001351527.2, NM_001351528.2); short protein forms M1506V.
Identifiers: ClinVar variation 2927233 (VCV002927233.4), dbSNP rs757054768, ClinGen allele CA5297187.